The following is an entry in ClinVar:

ClinVar aggregate classification (germline): Uncertain significance. Review status: criteria provided, multiple submitters, no conflicts (2 of 4 stars). 2 submissions from 2 submitters: Uncertain significance (2). Last evaluated 2025-04-08.

Conditions:
Pitt-Hopkins-like syndrome 2 (PTHSL2). Identifiers: Orphanet 221150, Orphanet 600663, MedGen C3280479, MONDO:0013690, OMIM 614325.

Allele frequency attached by ClinVar (database versions not stated): gnomAD exomes below 0.00001; gnomAD 0.00001; TOPMed 0.00001.
gnomAD v4.1: 3 of 1,553,886 alleles (0.00019%); highest among the groups gnomAD compares: African/African-American, 0.0041%; no homozygotes.

Submissions (2):

GeneDx
Classification: Uncertain significance. Last evaluated: 2025-04-08. Review status: criteria provided, single submitter. Criteria: GeneDx Variant Classification Process June 2021. Collection method: clinical testing. Allele origin: germline. Affected: yes.
Comment: Not observed at significant frequency in large population cohorts (gnomAD); In silico analysis supports that this missense variant has a deleterious effect on protein structure/function; Has not been previously published as pathogenic or benign to our knowledge

Labcorp Genetics (formerly Invitae), Labcorp
Classification: Uncertain significance for Pitt-Hopkins-like syndrome 2. Last evaluated: 2022-08-23. Review status: criteria provided, single submitter. Criteria: Invitae Variant Classification Sherloc (09022015). Collection method: clinical testing. Allele origin: germline.
Comment: In summary, the available evidence is currently insufficient to determine the role of this variant in disease. Therefore, it has been classified as a Variant of Uncertain Significance. Algorithms developed to predict the effect of missense changes on protein structure and function are either unavailable or do not agree on the potential impact of this missense change (SIFT: "Tolerated"; PolyPhen-2: "Probably Damaging"; Align-GVGD: "Class C0"). ClinVar contains an entry for this variant (Variation ID: 1354987). This variant has not been reported in the literature in individuals affected with NRXN1-related conditions. This variant is present in population databases (no rsID available, gnomAD 0.007%). This sequence change replaces glycine, which is neutral and non-polar, with arginine, which is basic and polar, at codon 989 of the NRXN1 protein (p.Gly989Arg).

NM_001330078.2(NRXN1):c.2845G>A (p.Gly949Arg)

Gene: NRXN1 (neurexin 1; minus strand). Cytogenetic location: 2p16.3.
Variant type: single nucleotide variant.
Coding change: c.2845G>A on transcript NM_001330078.2 (MANE Select); coding-DNA position 2845, G replaced by A.
Protein change: p.Gly949Arg; replaces glycine 949 with arginine.
Molecular consequence: missense variant.
Genome position (GRCh38, 1-based): chr2:50,497,367, C>T on the plus strand (G>A on the coding strand, the complement: NRXN1 is on the minus strand). VCF-style: chr2-50497367-C-T. GRCh37 (hg19) VCF-style: chr2-50724505-C-T.
Other names: c.2965G>A (NM_001135659.1); c.2965G>A, p.Gly989Arg (NM_001135659.3); c.2821G>A, p.Gly941Arg (NM_001330077.2, NM_001330082.2); c.2779G>A, p.Gly927Arg (NM_001330083.2, NM_001330084.2); c.2818G>A, p.Gly940Arg (NM_001330085.2); c.2845G>A, p.Gly949Arg (NM_001330086.2, NM_004801.6); c.2734G>A, p.Gly912Arg (NM_001330087.2, NM_001330096.2); c.2764G>A, p.Gly922Arg (NM_001330088.2); and 3 more; short protein forms G940R, G945R, G941R, G922R, G927R, G932R, G912R, G948R.
Identifiers: ClinVar variation 1354987 (VCV001354987.9), dbSNP rs868833247, ClinGen allele CA47360466.